The following is an entry in ClinVar:

ClinVar aggregate classification (germline): Likely benign (0 of 4 stars; one submission).

Conditions:
CASP2-related disorder. Also called: CASP2-related condition.

Allele frequency attached by ClinVar (database versions not stated): gnomAD exomes 0.00006; ExAC 0.00021; TOPMed 0.00078; gnomAD 0.00079; ESP Exome Variant Server 0.00085; 1000 Genomes Project 0.00100; 1000 Genomes Project 30x 0.00109.
gnomAD v4.1: 212 of 1,613,346 alleles (0.013%); highest among the groups gnomAD compares: African/African-American, 0.25%; no homozygotes.

Submission:

PreventionGenetics, part of Exact Sciences
Classification: Likely benign for CASP2-related condition. Last evaluated: 2022-09-08. Review status: no assertion criteria provided. Collection method: clinical testing. Allele origin: germline.
Comment: This variant is classified as likely benign based on ACMG/AMP sequence variant interpretation guidelines (Richards et al. 2015 PMID: 25741868, with internal and published modifications).

NM_032982.4(CASP2):c.55G>A (p.Ala19Thr)

Genes: CASP2 (caspase 2; plus strand), LOC129999515 (ATAC-STARR-seq lymphoblastoid silent region 18720; plus strand). Cytogenetic location: 7q34.
Variant type: single nucleotide variant.
Coding change: c.55G>A on transcript NM_032982.4 (MANE Select); coding-DNA position 55, G replaced by A.
Protein change: p.Ala19Thr; replaces alanine 19 with threonine.
Molecular consequence: missense variant.
Genome position (GRCh38, 1-based): chr7:143,288,510, G>A. VCF-style: chr7-143288510-G-A. GRCh37 (hg19) VCF-style: chr7-142985603-G-A.
Other names: c.55G>A, p.Ala19Thr (NM_032983.4); short protein forms A19T.
Identifiers: ClinVar variation 3057249 (VCV003057249.2), dbSNP rs145693200, ClinGen allele CA4536310.